The following is an entry in ClinVar:

NM_020778.5(ALPK3):c.4998C>T (p.Gly1666=)

Gene: ALPK3 (alpha kinase 3; plus strand). Cytogenetic location: 15q25.3.
Variant type: single nucleotide variant.
Coding change: c.4998C>T on transcript NM_020778.5 (MANE Select); coding-DNA position 4998, C replaced by T.
Protein change: p.Gly1666=; no amino-acid change (glycine 1666 retained).
Molecular consequence: synonymous variant.
Genome position (GRCh38, 1-based): chr15:84,868,336, C>T. VCF-style: chr15-84868336-C-T. GRCh37 (hg19) VCF-style: chr15-85411567-C-T.
Identifiers: ClinVar variation 510770 (VCV000510770.11), dbSNP rs749593573, ClinGen allele CA7710131.

ClinVar aggregate classification (germline): Likely benign. Review status: criteria provided, multiple submitters, no conflicts (2 of 4 stars). 6 submissions from 6 submitters: Likely benign (5). 1 of the submissions does not count toward it. Last evaluated 2026-03-27.

Conditions:
Cardiovascular phenotype. Identifiers: MedGen CN230736.
ALPK3-related disorder. Also called: ALPK3-related condition.

Allele frequency attached by ClinVar (database versions not stated): TOPMed 0.00007; gnomAD 0.00008 and 0.00007; gnomAD exomes 0.00008; ExAC 0.00006.
gnomAD v4.1: 166 of 1,614,140 alleles (0.01%); highest among the groups gnomAD compares: Middle Eastern, 0.016%; no homozygotes.

Submissions (6):

Molecular Diagnostic Laboratory for Inherited Cardiovascular Disease, Montreal Heart Institute
Classification: Likely benign. Last evaluated: 2026-03-27. Review status: criteria provided, single submitter. Criteria: ACMG Guidelines, 2015. Collection method: clinical testing. Allele origin: germline. Affected: no.
Comment: BP6;BP7

Labcorp Genetics (formerly Invitae), Labcorp
Classification: Likely benign. Last evaluated: 2025-11-27. Review status: criteria provided, single submitter. Criteria: Invitae Variant Classification Sherloc (09022015). Collection method: clinical testing. Allele origin: germline.

Blueprint Genetics
Classification: Likely benign. Last evaluated: 2024-09-04. Review status: criteria provided, single submitter. Criteria: ACMG Guidelines, 2015. Collection method: clinical testing. Allele origin: germline.

Ambry Genetics
Classification: Likely benign for Cardiovascular phenotype. Last evaluated: 2020-09-10. Review status: criteria provided, single submitter. Criteria: Ambry Variant Classification Scheme 2023. Collection method: clinical testing. Allele origin: germline.

GeneDx
Classification: Likely benign. Last evaluated: 2017-07-13. Review status: criteria provided, single submitter. Criteria: GeneDx Variant Classification (06012015). Collection method: clinical testing. Allele origin: germline. Affected: yes.
Comment: This variant is considered likely benign or benign based on one or more of the following criteria: it is a conservative change, it occurs at a poorly conserved position in the protein, it is predicted to be benign by multiple in silico algorithms, and/or has population frequency not consistent with disease.

PreventionGenetics, part of Exact Sciences
Classification: Likely benign for ALPK3-related condition. Last evaluated: 2024-07-11. Review status: no assertion criteria provided. Collection method: clinical testing. Allele origin: germline. Not counted in ClinVar's aggregate classification.
Comment: This variant is classified as likely benign based on ACMG/AMP sequence variant interpretation guidelines (Richards et al. 2015 PMID: 25741868, with internal and published modifications).